The following is an entry in ClinVar:

NM_001376.5(DYNC1H1):c.13105A>G (p.Thr4369Ala)

Gene: DYNC1H1 (dynein cytoplasmic 1 heavy chain 1; plus strand). Cytogenetic location: 14q32.31.
Variant type: single nucleotide variant.
Coding change: c.13105A>G on transcript NM_001376.5 (MANE Select); coding-DNA position 13105, A replaced by G.
Protein change: p.Thr4369Ala; replaces threonine 4369 with alanine.
Molecular consequence: missense variant.
Genome position (GRCh38, 1-based): chr14:102,047,915, A>G. VCF-style: chr14-102047915-A-G. GRCh37 (hg19) VCF-style: chr14-102514252-A-G.
Other names: c.13105A>G (NM_001376.4); short protein forms T4369A.
Identifiers: ClinVar variation 1398551 (VCV001398551.7), dbSNP rs1446933049, ClinGen allele CA391046140.
Genomic context (GRCh38, chr14:102,047,915, plus strand): 5'-TTGGAGGATGAGGACGACCTGGCCTACGCAGAGACTGAGAAGAAGACGAGGACAGACTCC[A>G]CGTCCGACGGGCGCCCTGCCTGGATGCGGACACTGCACACCACCGCGTCCAACTGGCTGC-3'
Protein context (NP_001367.2, residues 4359-4379): ETEKKTRTDS[Thr4369Ala]SDGRPAWMRT

ClinVar aggregate classification (germline): Uncertain significance. Review status: criteria provided, multiple submitters, no conflicts (2 of 4 stars). 2 submissions from 2 submitters: Uncertain significance (2). Last evaluated 2025-12-03.

Conditions:
Inborn genetic diseases. Identifiers: MedGen C0950123, MeSH D030342.
Charcot-Marie-Tooth disease axonal type 2O. Also called: CHARCOT-MARIE-TOOTH NEUROPATHY, AXONAL, TYPE 2O; CHARCOT-MARIE-TOOTH DISEASE, AXONAL, AUTOSOMAL DOMINANT, TYPE 2O; Charcot-Marie-Tooth Neuropathy Type 2O; Charcot-Marie-Tooth disease, axonal, type 20. Identifiers: Orphanet 284232, MedGen C3280220, MONDO:0013644, OMIM 614228.

Allele frequency attached by ClinVar (database versions not stated): gnomAD 0.00001; gnomAD exomes 0.00001; TOPMed 0.00001.
gnomAD v4.1: 10 of 1,613,534 alleles (0.00062%); highest among the groups gnomAD compares: Non-Finnish European, 0.00076%; no homozygotes.

Submissions (2):

Labcorp Genetics (formerly Invitae), Labcorp
Classification: Uncertain significance for Charcot-Marie-Tooth disease axonal type 2O. Last evaluated: 2025-12-03. Review status: criteria provided, single submitter. Criteria: Invitae Variant Classification Sherloc (09022015). Collection method: clinical testing. Allele origin: germline.
Comment: This sequence change replaces threonine, which is neutral and polar, with alanine, which is neutral and non-polar, at codon 4369 of the DYNC1H1 protein (p.Thr4369Ala). This variant is not present in population databases (gnomAD no frequency). This variant has not been reported in the literature in individuals affected with DYNC1H1-related conditions. ClinVar contains an entry for this variant (Variation ID: 1398551). Invitae Evidence Modeling of protein sequence and biophysical properties (such as structural, functional, and spatial information, amino acid conservation, physicochemical variation, residue mobility, and thermodynamic stability) indicates that this missense variant is not expected to disrupt DYNC1H1 protein function with a negative predictive value of 95%. In summary, the available evidence is currently insufficient to determine the role of this variant in disease. Therefore, it has been classified as a Variant of Uncertain Significance.

Ambry Genetics
Classification: Uncertain significance for Inborn genetic diseases. Last evaluated: 2023-11-14. Review status: criteria provided, single submitter. Criteria: Ambry Variant Classification Scheme 2023. Collection method: clinical testing. Allele origin: germline.